The following is an entry in ClinVar:

ClinVar aggregate classification (germline): Pathogenic (1 of 4 stars; one submission).

Conditions:
Mucopolysaccharidosis, MPS-III-B (MPS3B). Also called: SANFILIPPO SYNDROME B; MUCOPOLYSACCHARIDOSIS, TYPE IIIB; Mucopolysaccharidosis type IIIB (Sanfilippo B); MPS IIIB (Sanfilippo Syndrome Type B); N-ACETYL-ALPHA-D-GLUCOSAMINIDASE DEFICIENCY; NAGLU DEFICIENCY. Identifiers: Orphanet 79270, MedGen C0086648, MONDO:0009656, OMIM 252920.

Submission:

Myriad Genetics, Inc.
Classification: Pathogenic for Mucopolysaccharidosis, MPS-III-B. Last evaluated: 2025-08-01. Review status: criteria provided, single submitter. Criteria: Myriad Autosomal Dominant, Autosomal Recessive and X-Linked Classification Criteria (2023). Collection method: clinical testing. Allele origin: unknown.
Comment: NM_000263.3(NAGLU):c.1536_1537delCA(H512Qfs*3) is a frameshift variant classified as pathogenic in the context of mucopolysaccharidosis type IIIB. H512Qfs*3 has not been observed in cases with relevant disease. Relevant functional assessments of this variant are not available in the literature. H512Qfs*3 has not been observed in referenced population frequency databases. In summary, NM_000263.3(NAGLU):c.1536_1537delCA(H512Qfs*3) is a frameshift variant in a gene where loss of function is a known mechanism of disease and is predicted to disrupt protein function. Please note: this variant was assessed in the context of healthy population screening.

NM_000263.4(NAGLU):c.1536_1537del (p.His512fs)

Gene: NAGLU (N-acetyl-alpha-glucosaminidase; plus strand). Cytogenetic location: 17q21.2.
Variant type: Microsatellite.
Coding change: c.1536_1537del on transcript NM_000263.4 (MANE Select); coding-DNA positions 1536 to 1537, 2 bases deleted (CA; older notation c.1536_1537delCA).
Protein change: p.His512fs; shifts the reading frame from histidine 512.
Molecular consequence: frameshift variant.
Genome position (GRCh38, 1-based): chr17:42,543,542-42,543,543, CA deleted; deleting any 2 consecutive bases within chr17:42,543,540-42,543,543 gives the same sequence; the c. name uses the placement nearest the transcript's 3' end. VCF-style (leftmost placement, unchanged base first): chr17-42543539-CCA-C. GRCh37 (hg19) VCF-style: chr17-40695557-CCA-C.
Other names: short protein forms H512fs.
Identifiers: ClinVar variation 5004098 (VCV005004098.1).
Genomic context (GRCh38, chr17:42,543,539, plus strand): 5'-GGCAGCGTGGAGGCTACTGCTCCGGAGTGTGTACAACTGCTCCGGGGAGGCCTGCAGGGG[CCA>C]CAATCGTAGCCCGCTGGTCAGGCGGCCGTCCCTACAGATGAATACCAGCATCTGGTACAA-3'